The following is an entry in ClinVar:

ClinVar aggregate classification (germline): Conflicting classifications of pathogenicity. Review status: criteria provided, conflicting classifications (1 of 4 stars). 5 submissions from 5 submitters: Uncertain significance (2); Benign (1); Likely benign (1). 1 of the submissions does not count toward it. Last evaluated 2025-11-10.

Conditions:
PCNT-related disorder. Also called: PCNT-related condition.
Microcephalic osteodysplastic primordial dwarfism type II (MOPD2). Also called: Microcephalic osteodysplastic primordial dwarfism with tooth abnormalities; MOPD II; OSTEODYSPLASTIC PRIMORDIAL DWARFISM, TYPE II. Identifiers: Orphanet 2637, MedGen C0432246, MONDO:0008872, OMIM 210720.

Allele frequency attached by ClinVar (database versions not stated): gnomAD 0.00017 and 0.00031; gnomAD exomes 0.00022 and 0.00066; TOPMed 0.00042; ExAC 0.00059; 1000 Genomes Project 30x 0.00265; 1000 Genomes Project 0.00319.
gnomAD v4.1: 360 of 1,579,456 alleles (0.023%); highest among the groups gnomAD compares: East Asian, 0.76%; 5 homozygotes.

Submissions (5):

Labcorp Genetics (formerly Invitae), Labcorp
Classification: Benign. Last evaluated: 2025-11-10. Review status: criteria provided, single submitter. Criteria: Invitae Variant Classification Sherloc (09022015). Collection method: clinical testing. Allele origin: germline.

Department of Pathology and Laboratory Medicine, Sinai Health System
Classification: Uncertain significance for Microcephalic osteodysplastic primordial dwarfism type II. Last evaluated: 2021-08-10. Review status: criteria provided, single submitter. Criteria: ACMG Guidelines, 2015. Collection method: research. Allele origin: germline.

Illumina Laboratory Services, Illumina
Classification: Likely benign for Microcephalic osteodysplastic primordial dwarfism type II. Last evaluated: 2018-01-13. Review status: criteria provided, single submitter. Criteria: ICSL Variant Classification Criteria 13 December 2019. Collection method: clinical testing. Allele origin: germline.
Comment: This variant was observed in the ICSL laboratory as part of a predisposition screen in an ostensibly healthy population. It had not been previously curated by ICSL or reported in the Human Gene Mutation Database (HGMD: prior to June 1st, 2018), and was therefore a candidate for classification through an automated scoring system. Utilizing variant allele frequency, disease prevalence and penetrance estimates, and inheritance mode, an automated score was calculated to assess if this variant is too frequent to cause the disease. Based on the score and internal cut-off values, a variant classified as likely benign is not then subjected to further curation. The score for this variant resulted in a classification of likely benign for this disease.

Genetic Services Laboratory, University of Chicago
Classification: Uncertain significance for Microcephalic osteodysplastic primordial dwarfism, type II. Last evaluated: 2013-03-04. Review status: criteria provided, single submitter. Criteria: ACMG Guidelines, 2007. Collection method: clinical testing. Allele origin: germline. Inheritance: Autosomal recessive inheritance.

PreventionGenetics, part of Exact Sciences
Classification: Likely benign for PCNT-related condition. Last evaluated: 2022-01-11. Review status: no assertion criteria provided. Collection method: clinical testing. Allele origin: germline. Not counted in ClinVar's aggregate classification.
Comment: This variant is classified as likely benign based on ACMG/AMP sequence variant interpretation guidelines (Richards et al. 2015 PMID: 25741868, with internal and published modifications).

NM_006031.6(PCNT):c.1040A>G (p.Lys347Arg)

Gene: PCNT (pericentrin; plus strand). Cytogenetic location: 21q22.3.
Variant type: single nucleotide variant.
Coding change: c.1040A>G on transcript NM_006031.6 (MANE Select); coding-DNA position 1040, A replaced by G.
Protein change: p.Lys347Arg; replaces lysine 347 with arginine.
Molecular consequence: missense variant.
Genome position (GRCh38, 1-based): chr21:46,349,019, A>G. VCF-style: chr21-46349019-A-G. GRCh37 (hg19) VCF-style: chr21-47768933-A-G.
Other names: c.686A>G, p.Lys229Arg (NM_001315529.2); short protein forms K347R, K229R.
Identifiers: ClinVar variation 159563 (VCV000159563.17), dbSNP rs80166001, ClinGen allele CA251029.